The following is an entry in ClinVar:

ClinVar aggregate classification (germline): Uncertain significance (1 of 4 stars; one submission).

Submission:

Labcorp Genetics (formerly Invitae), Labcorp
Classification: Uncertain significance. Last evaluated: 2021-03-15. Review status: criteria provided, single submitter. Criteria: Invitae Variant Classification Sherloc (09022015). Collection method: clinical testing. Allele origin: germline.
Comment: This sequence change replaces histidine with glutamine at codon 693 of the OPA1 protein (p.His693Gln). The histidine residue is moderately conserved and there is a small physicochemical difference between histidine and glutamine. This variant is not present in population databases (ExAC no frequency). This variant has not been reported in the literature in individuals with OPA1-related conditions. Advanced modeling of protein sequence and biophysical properties (such as structural, functional, and spatial information, amino acid conservation, physicochemical variation, residue mobility, and thermodynamic stability) performed at Invitae indicates that this missense variant is not expected to disrupt OPA1 protein function. In summary, the available evidence is currently insufficient to determine the role of this variant in disease. Therefore, it has been classified as a Variant of Uncertain Significance.

NM_130837.3(OPA1):c.2244T>A (p.His748Gln)

Gene: OPA1 (OPA1 mitochondrial dynamin like GTPase; plus strand). Cytogenetic location: 3q29.
Variant type: single nucleotide variant.
Coding change: c.2244T>A on transcript NM_130837.3 (MANE Select); coding-DNA position 2244, T replaced by A.
Protein change: p.His748Gln; replaces histidine 748 with glutamine.
Molecular consequence: missense variant.
Genome position (GRCh38, 1-based): chr3:193,657,145, T>A. VCF-style: chr3-193657145-T-A. GRCh37 (hg19) VCF-style: chr3-193374934-T-A.
Other names: c.1710T>A, p.His570Gln (NM_001354663.2); c.1707T>A, p.His569Gln (NM_001354664.2); c.2079T>A, p.His693Gln (NM_015560.3); c.1971T>A, p.His657Gln (NM_130831.3); c.2025T>A, p.His675Gln (NM_130832.3); c.2082T>A, p.His694Gln (NM_130833.3); c.2133T>A, p.His711Gln (NM_130834.3); c.2136T>A, p.His712Gln (NM_130835.3); and 1 more; short protein forms H694Q, H712Q, H570Q, H657Q, H730Q, H569Q, H675Q, H693Q.
Identifiers: ClinVar variation 1414500 (VCV001414500.8), dbSNP rs2109163613, ClinGen allele CA355791501.